The following is an entry in ClinVar:

ClinVar aggregate classification (germline): Uncertain significance. Review status: criteria provided, multiple submitters, no conflicts (2 of 4 stars). 2 submissions from 2 submitters: Uncertain significance (2). Last evaluated 2025-08-19.

Conditions:
Inborn genetic diseases. Identifiers: MedGen C0950123, MeSH D030342.

Allele frequency attached by ClinVar (database versions not stated): gnomAD 0.00001; TOPMed 0.00001.
gnomAD v4.1: 15 of 1,542,386 alleles (0.00097%); highest among the groups gnomAD compares: Non-Finnish European, 0.0011%; no homozygotes.

Submissions (2):

Ambry Genetics
Classification: Uncertain significance for Inborn genetic diseases. Last evaluated: 2025-08-19. Review status: criteria provided, single submitter. Criteria: Ambry Variant Classification Scheme 2023. Collection method: clinical testing. Allele origin: germline.

GeneDx
Classification: Uncertain significance. Last evaluated: 2017-02-01. Review status: criteria provided, single submitter. Criteria: GeneDx Variant Classification (06012015). Collection method: clinical testing. Allele origin: germline. Affected: yes.
Comment: The T796S variant in the POLR1A gene has not been reported previously as a pathogenic variant, nor as a benign variant, to our knowledge. The T796S variant is not observed in large population cohorts (Lek et al., 2016; 1000 Genomes Consortium et al., 2015; Exome Variant Server). The T796S variant is a conservative amino acid substitution, which is not likely to impact secondary protein structure as these residues share similar properties. However, this substitution occurs at a position that is conserved across species, and in silico analysis predicts this variant is probably damaging to the protein structure/function. Therefore, we interpret T796S as a variant of uncertain significance

NM_015425.6(POLR1A):c.2387C>G (p.Thr796Ser)

Gene: POLR1A (RNA polymerase I subunit A; minus strand). Cytogenetic location: 2p11.2.
Variant type: single nucleotide variant.
Coding change: c.2387C>G on transcript NM_015425.6 (MANE Select); coding-DNA position 2387, C replaced by G.
Protein change: p.Thr796Ser; replaces threonine 796 with serine.
Molecular consequence: missense variant.
Genome position (GRCh38, 1-based): chr2:86,052,822, G>C on the plus strand (C>G on the coding strand, the complement: POLR1A is on the minus strand). VCF-style: chr2-86052822-G-C. GRCh37 (hg19) VCF-style: chr2-86279945-G-C.
Other names: short protein forms T796S.
Identifiers: ClinVar variation 423247 (VCV000423247.3), dbSNP rs1064796322, ClinGen allele CA16617770.